The following is an entry in ClinVar:

ClinVar aggregate classification (germline): Uncertain significance (1 of 4 stars; one submission).

Submission:

GeneDx
Classification: Uncertain significance. Last evaluated: 2026-04-24. Review status: criteria provided, single submitter. Criteria: GeneDx Variant Classification Process June 2021. Collection method: clinical testing. Allele origin: germline.
Comment: Not observed at significant frequency in large population cohorts (gnomAD); In silico analysis suggests that this missense variant does not alter protein structure/function; Has not been previously published as pathogenic or benign to our knowledge

NM_014727.3(KMT2B):c.4676A>T (p.Asp1559Val)

Gene: KMT2B (lysine methyltransferase 2B; plus strand). Cytogenetic location: 19q13.12.
Variant type: single nucleotide variant.
Coding change: c.4676A>T on transcript NM_014727.3 (MANE Select); coding-DNA position 4676, A replaced by T.
Protein change: p.Asp1559Val; replaces aspartic acid 1559 with valine.
Molecular consequence: missense variant.
Genome position (GRCh38, 1-based): chr19:35,728,878, A>T. VCF-style: chr19-35728878-A-T. GRCh37 (hg19) VCF-style: chr19-36219779-A-T.
Other names: short protein forms D1559V.
Identifiers: ClinVar variation 4755978 (VCV004755978.2).